The following is an entry in ClinVar:

NM_001042492.3(NF1):c.4649A>G (p.Glu1550Gly)

Gene: NF1 (neurofibromin 1; plus strand). Cytogenetic location: 17q11.2.
Variant type: single nucleotide variant.
Coding change: c.4649A>G on transcript NM_001042492.3 (MANE Select); coding-DNA position 4649, A replaced by G.
Protein change: p.Glu1550Gly; replaces glutamic acid 1550 with glycine.
Molecular consequence: missense variant.
Genome position (GRCh38, 1-based): chr17:31,261,782, A>G. VCF-style: chr17-31261782-A-G. GRCh37 (hg19) VCF-style: chr17-29588800-A-G.
Other names: c.4586A>G, p.Glu1529Gly (NM_000267.4); short protein forms E1529G, E1550G.
Identifiers: ClinVar variation 936666 (VCV000936666.6), dbSNP rs2067690886, ClinGen allele CA399000355.
Genomic context (GRCh38, chr17:31,261,782, plus strand): 5'-CTGTTGGAAGACGACCTTTTGATAAGATGGCAACACTTCTTGCATACCTGGGTCCTCCAG[A>G]GCACAAACCTGTGGCAGATACACACTGGTCCAGCCTTAACCTTACCAGTTCAAAGTTTGA-3'
Protein context (NP_001035957.1, residues 1540-1560): ATLLAYLGPP[Glu1550Gly]HKPVADTHWS

ClinVar aggregate classification (germline): Uncertain significance (1 of 4 stars; one submission).

Conditions:
Neurofibromatosis, type 1 (NF1). Also called: Peripheral type neurofibromatosis; VON RECKLINGHAUSEN DISEASE; Neurofibromatosis, type I; NEUROFIBROMATOSIS, TYPE I, SOMATIC. Identifiers: Orphanet 636, MedGen C0027831, MONDO:0018975, OMIM 162200. Disease mechanism: loss of function.

Submission:

Labcorp Genetics (formerly Invitae), Labcorp
Classification: Uncertain significance for Neurofibromatosis, type 1. Last evaluated: 2019-07-19. Review status: criteria provided, single submitter. Criteria: Invitae Variant Classification Sherloc (09022015). Collection method: clinical testing. Allele origin: germline.
Comment: In summary, the available evidence is currently insufficient to determine the role of this variant in disease. Therefore, it has been classified as a Variant of Uncertain Significance. Algorithms developed to predict the effect of missense changes on protein structure and function are either unavailable or do not agree on the potential impact of this missense change (SIFT: "Deleterious"; PolyPhen-2: "Probably Damaging"; Align-GVGD: "Class C0"). This variant has not been reported in the literature in individuals with NF1-related conditions. This variant is not present in population databases (ExAC no frequency). This sequence change replaces glutamic acid with glycine at codon 1529 of the NF1 protein (p.Glu1529Gly). The glutamic acid residue is highly conserved and there is a moderate physicochemical difference between glutamic acid and glycine.